The following is an entry in ClinVar:

NC_000001.10:g.(?_43424285)_(43424429_?)del

Gene: SLC2A1 (solute carrier family 2 member 1; minus strand). Cytogenetic location: 1p34.2.
Variant type: Deletion.
Identifiers: ClinVar variation 1450644 (VCV001450644.4).

ClinVar aggregate classification (germline): Pathogenic (1 of 4 stars; one submission).

Conditions:
GLUT1 deficiency syndrome 1, autosomal recessive. Identifiers: MedGen C3149117.

Submission:

Labcorp Genetics (formerly Invitae), Labcorp
Classification: Pathogenic for GLUT1 deficiency syndrome 1, autosomal recessive. Last evaluated: 2023-02-17. Review status: criteria provided, single submitter. Criteria: Invitae Variant Classification Sherloc (09022015). Collection method: clinical testing. Allele origin: germline.
Comment: For these reasons, this variant has been classified as Pathogenic. This variant is a gross deletion of the genomic region encompassing exon(s) 1 of the SLC2A1 gene, which includes the initiator codon. This deletion extends beyond the assayed region for this gene and therefore may encompass additional genes. It is expected to result in an absent or disrupted protein product. Loss-of-function variants in SLC2A1 are known to be pathogenic (PMID: 21832227, 26193382). This variant has not been reported in the literature in individuals affected with SLC2A1-related conditions.

Literature cited by the submitters: PubMed 21832227; PubMed 26193382.